The following is an entry in ClinVar:

ClinVar aggregate classification (germline): Conflicting classifications of pathogenicity. Review status: criteria provided, conflicting classifications (1 of 4 stars). 3 submissions from 3 submitters: Likely pathogenic (1); Uncertain significance (2). Last evaluated 2025-03-02.

Conditions:
Hereditary spastic paraplegia 7 (SPG7). Also called: Spastic paraplegia 7; SPASTIC PARAPLEGIA 7, AUTOSOMAL RECESSIVE, WITH OR WITHOUT CEREBELLAR ATAXIA; SPG7-related neurologic disorder; Hereditary spastic paraplegia Paraplegin type; Autosomal recessive spastic paraplegia type 7. Identifiers: Orphanet 99013, MedGen C1846564, MONDO:0011803, OMIM 607259.

Submissions (3):

Labcorp Genetics (formerly Invitae), Labcorp
Classification: Uncertain significance for Hereditary spastic paraplegia 7. Last evaluated: 2025-03-02. Review status: criteria provided, single submitter. Criteria: Invitae Variant Classification Sherloc (09022015). Collection method: clinical testing. Allele origin: germline.
Comment: This sequence change replaces asparagine, which is neutral and polar, with aspartic acid, which is acidic and polar, at codon 721 of the SPG7 protein (p.Asn721Asp). This variant is not present in population databases (gnomAD no frequency). This missense change has been observed in individual(s) with SPG7-related conditions (internal data). ClinVar contains an entry for this variant (Variation ID: 1699924). Invitae Evidence Modeling of protein sequence and biophysical properties (such as structural, functional, and spatial information, amino acid conservation, physicochemical variation, residue mobility, and thermodynamic stability) indicates that this missense variant is expected to disrupt SPG7 protein function with a positive predictive value of 80%. This variant disrupts the p.Asn721 amino acid residue in SPG7. Other variant(s) that disrupt this residue have been observed in individuals with SPG7-related conditions (PMID: 32570181), which suggests that this may be a clinically significant amino acid residue. In summary, the available evidence is currently insufficient to determine the role of this variant in disease. Therefore, it has been classified as a Variant of Uncertain Significance.

Institute of Medical Genetics and Applied Genomics, University Hospital Tübingen
Classification: Likely pathogenic for Hereditary spastic paraplegia 7. Last evaluated: 2022-08-04. Review status: criteria provided, single submitter. Criteria: ACMG Guidelines, 2015. Collection method: clinical testing. Allele origin: germline. Inheritance: Autosomal recessive inheritance. Affected: yes.
Comment: in trans with another pathogenic SPG7 variant

MGZ Medical Genetics Center
Classification: Uncertain significance for Hereditary spastic paraplegia 7. Last evaluated: 2022-02-16. Review status: criteria provided, single submitter. Criteria: ACMG Guidelines, 2015. Collection method: clinical testing. Allele origin: germline. Affected: yes. Observed: 1 variant allele.
Comment: ACMG criteria applied: PM2_SUP, PP3

Literature cited by the submitters: PubMed 32570181 (cited by Labcorp Genetics (formerly Invitae), Labcorp).

NM_003119.4(SPG7):c.2161A>G (p.Asn721Asp)

Gene: SPG7 (SPG7 matrix AAA peptidase subunit, paraplegin; plus strand). Cytogenetic location: 16q24.3.
Variant type: single nucleotide variant.
Coding change: c.2161A>G on transcript NM_003119.4 (MANE Select); coding-DNA position 2161, A replaced by G.
Protein change: p.Asn721Asp; replaces asparagine 721 with aspartic acid.
Molecular consequence: missense variant.
Genome position (GRCh38, 1-based): chr16:89,554,543, A>G. VCF-style: chr16-89554543-A-G. GRCh37 (hg19) VCF-style: chr16-89620951-A-G.
Other names: c.2161A>G, p.Asn721Asp (NM_001363850.1); short protein forms N721D.
Identifiers: ClinVar variation 1699924 (VCV001699924.4), dbSNP rs2152412388, ClinGen allele CA397434763.
Genomic context (GRCh38, chr16:89,554,543, plus strand): 5'-CAGGAAGCAAGACTGCTGGTGGCCAAGGCCTACAGACACACCGAGAAGGTGCTGCAGGAC[A>G]ACCTGGACAAGTTGCAGGCGGTGAGGCCCTGGCCAGGCGTGGGGGCTACGGCGTCACACA-3'
Protein context (NP_003110.1, residues 711-731): YRHTEKVLQD[Asn721Asp]LDKLQALANA